The following is an entry in ClinVar:

ClinVar aggregate classification (germline): Uncertain significance (1 of 4 stars; one submission).

Conditions:
Emery-Dreifuss muscular dystrophy 5, autosomal dominant (EDMD5). Also called: EMERY-DREIFUSS MUSCULAR DYSTROPHY 5. Identifiers: Orphanet 261, MedGen C2751805, MONDO:0013072, OMIM 612999.

Allele frequency attached by ClinVar (database versions not stated): gnomAD exomes 0.00001 and 0.00002; ExAC 0.00002; TOPMed 0.00011; gnomAD 0.00013 and 0.00015; ESP Exome Variant Server 0.00023.
gnomAD v4.1: 30 of 1,613,828 alleles (0.0019%); highest among the groups gnomAD compares: African/African-American, 0.037%; no homozygotes.

Submission:

Labcorp Genetics (formerly Invitae), Labcorp
Classification: Uncertain significance for Emery-Dreifuss muscular dystrophy 5, autosomal dominant. Last evaluated: 2024-03-26. Review status: criteria provided, single submitter. Criteria: Invitae Variant Classification Sherloc (09022015). Collection method: clinical testing. Allele origin: germline.
Comment: This sequence change replaces threonine, which is neutral and polar, with isoleucine, which is neutral and non-polar, at codon 5808 of the SYNE2 protein (p.Thr5808Ile). This variant is present in population databases (rs139361264, gnomAD 0.05%), and has an allele count higher than expected for a pathogenic variant. This variant has not been reported in the literature in individuals affected with SYNE2-related conditions. ClinVar contains an entry for this variant (Variation ID: 470950). Algorithms developed to predict the effect of missense changes on protein structure and function output the following: SIFT: "Not Available"; PolyPhen-2: "Benign"; Align-GVGD: "Not Available". The isoleucine amino acid residue is found in multiple mammalian species, which suggests that this missense change does not adversely affect protein function. In summary, the available evidence is currently insufficient to determine the role of this variant in disease. Therefore, it has been classified as a Variant of Uncertain Significance.

NM_182914.3(SYNE2):c.17423C>T (p.Thr5808Ile)

Gene: SYNE2 (spectrin repeat containing nuclear envelope protein 2; plus strand). Cytogenetic location: 14q23.2.
Variant type: single nucleotide variant.
Coding change: c.17423C>T on transcript NM_182914.3 (MANE Select); coding-DNA position 17423, C replaced by T.
Protein change: p.Thr5808Ile; replaces threonine 5808 with isoleucine.
Molecular consequence: missense variant.
Genome position (GRCh38, 1-based): chr14:64,175,131, C>T. VCF-style: chr14-64175131-C-T. GRCh37 (hg19) VCF-style: chr14-64641849-C-T.
Other names: c.17423C>T, p.Thr5808Ile (NM_015180.6); short protein forms T5808I.
Identifiers: ClinVar variation 470950 (VCV000470950.8), dbSNP rs139361264, ClinGen allele CA7223680.
Genomic context (GRCh38, chr14:64,175,131, plus strand): 5'-AGGACAGCTGGAAAGACATGGAGCCCCAGCTGGCAGAGATGATTAAGCAGTTCCAGAGCA[C>T]TGTAGAGGTAAACTCACCACTTACTTTTCCATTCATGATATTCAAATTCAGTACATAGAT-3'
Protein context (NP_878918.2, residues 5798-5818): LAEMIKQFQS[Thr5808Ile]VETWDQCEKK